The following is an entry in ClinVar:

NM_000260.4(MYO7A):c.5618G>A (p.Arg1873Gln)

Gene: MYO7A (myosin VIIA; plus strand). Cytogenetic location: 11q13.5.
Variant type: single nucleotide variant.
Coding change: c.5618G>A on transcript NM_000260.4 (MANE Select); coding-DNA position 5618, G replaced by A.
Protein change: p.Arg1873Gln; replaces arginine 1873 with glutamine.
Molecular consequence: missense variant.
Genome position (GRCh38, 1-based): chr11:77,205,599, G>A. VCF-style: chr11-77205599-G-A. GRCh37 (hg19) VCF-style: chr11-76916644-G-A.
Other names: c.5504G>A, p.Arg1835Gln (NM_001127180.2); c.5471G>A, p.Arg1824Gln (NM_001369365.1); short protein forms R1873Q, R1824Q, R1835Q.
Identifiers: ClinVar variation 43292 (VCV000043292.30), dbSNP rs397516322, ClinGen allele CA278687.

ClinVar aggregate classification (germline): Pathogenic. Review status: reviewed by expert panel (3 of 4 stars). 12 submissions from 12 submitters: Pathogenic (1). 11 of the submissions do not count toward it. Last evaluated 2019-11-26.

Conditions:
Usher syndrome. Also called: Usher's syndrome; Usher Syndromes. Identifiers: Orphanet 886, MedGen CN469326, MeSH D052245, MONDO:0019501. Disease mechanism: loss of function.
MYO7A-related disorder. Also called: MYO7A-related disorders.
Rare genetic deafness. Identifiers: Orphanet 96210, MedGen C5680250.
Autosomal dominant nonsyndromic hearing loss 11. Identifiers: Orphanet 90635, MedGen C1832475, MONDO:0011032, OMIM 601317.
Autosomal recessive nonsyndromic hearing loss 2. Also called: NEUROSENSORY NONSYNDROMIC RECESSIVE DEAFNESS 2; DEAFNESS, AUTOSOMAL RECESSIVE 2. Identifiers: Orphanet 90636, MedGen C1838701, MONDO:0010807, OMIM 600060.
Usher syndrome type 1 (USH1). Also called: RETINITIS PIGMENTOSA AND CONGENITAL DEAFNESS. Identifiers: Orphanet 231169, Orphanet 886, MedGen C1568247, MONDO:0010168, OMIM 276900.
Usher syndrome type 1B (USH1B). Also called: Usher syndrome type IB. Identifiers: MedGen C1848638, MONDO:0700087.

Allele frequency attached by ClinVar (database versions not stated): gnomAD 0.00005 and 0.00006; TOPMed 0.00005; gnomAD exomes 0.00006 and 0.00003; ExAC 0.00002.
gnomAD v4.1: 93 of 1,613,414 alleles (0.0058%); highest among the groups gnomAD compares: Non-Finnish European, 0.0069%; no homozygotes.

Submissions (12):

ClinGen Hearing Loss Variant Curation Expert Panel
Classification: Pathogenic for Usher syndrome. Last evaluated: 2019-11-26. Review status: reviewed by expert panel. Criteria: ClinGen HL ACMG Specifications v1. Collection method: curation. Allele origin: germline. Inheritance: Autosomal recessive inheritance.
Comment: The allele frequency of the p.Arg1873Gln variant in the MYO7A gene is 0.008% (2/24854) of European chromosomes by gnomAD, which is a low enough frequency to apply PM2_Supporting based on the thresholds defined by the ClinGen Hearing Loss Expert Panel for autosomal recessive hearing loss (PM2_Supporting). This variant has been detected in 2 probands with hearing loss and 2 probands with Usher syndrome. For 2 of those probands, a pathogenic or suspected-pathogenic variant was observed in trans, for 1 proband a pathogenic or suspected-pathogenic was suspected in trans, and for 1 of the probands, a rare variant of uncertain significance was observed in trans (PM3_Strong; PMID:23208854, 28000701, 29196752, Partners LMM internal data SCV000059849.6). The variant has been reported to segregate with hearing loss in one affected family member (PP1, Partners LMM internal data SCV000059849.6). A different pathogenic missense variant (p.Arg1873Trp) has been previously identified at this codon of MYO7A which may indicate that this residue is critical to the function of the protein (PM5; p.Arg1873Trp ClinVar Variation ID 43291). The REVEL computational prediction analysis tool produced a score of 0.936, which is above the threshold necessary to apply PP3. At least one of the above patients with the variant in this gene displayed features of Usher syndrome (PP4; Partners LMM internal data SCV000059849.6). In summary, this variant meets criteria to be classified as pathogenic for autosomal recessive Usher syndrome based on the ACMG/AMP criteria applied, as specified by the Hearing Loss Expert Panel: PM3_Strong, PM2_Supporting, PM5, PP1, PP3, PP4.

GeneDx
Classification: Likely pathogenic. Last evaluated: 2026-10-11. Review status: criteria provided, single submitter. Criteria: GeneDx Variant Classification Process June 2021. Collection method: clinical testing. Allele origin: germline. Not counted in ClinVar's aggregate classification.
Comment: In silico analysis supports that this missense variant has a deleterious effect on protein structure/function; This variant is associated with the following publications: (PMID: 27068579, 16963483, 31964843, 36147510, 27104957, 29196752, 23208854, 16679490, 27460420, 28944237, 28000701, Liao2026_2[preprint])

PreventionGenetics, part of Exact Sciences
Classification: Pathogenic for MYO7A-related condition. Last evaluated: 2026-03-23. Review status: criteria provided, single submitter. Criteria: ACMG Guidelines, 2015. Collection method: clinical testing. Allele origin: germline. Not counted in ClinVar's aggregate classification.
Comment: The MYO7A c.5618G>A variant is predicted to result in the amino acid substitution p.Arg1873Gln. This variant has been reported with a second MYO7A variant in individuals with Usher syndrome or nonsyndromic hearing loss (see for example: Cremers et al. 2007. PubMed ID: 16963483; Schrauwen et al. 2012. PubMed ID: 23208854; Zazo Seco et al. 2016. PubMed ID: 28000701). An alternate nucleotide change affecting the same amino acid position (p.Arg1873Trp) has been reported in individuals with Usher syndrome or nonsyndromic hearing loss (Roux et al. 2006. PubMed ID: 16679490; Bakhchane et al. 2017. PubMed ID: 28472130). This variant is reported in 0.0080% of alleles in individuals of European (Finnish) descent in gnomAD. This variant has been classified as pathogenic by the ClinGen Hearing Loss Variant Curation Expert Panel (Variation ID: 43292). This variant is interpreted as pathogenic.

Labcorp Genetics (formerly Invitae), Labcorp
Classification: Pathogenic. Last evaluated: 2025-12-20. Review status: criteria provided, single submitter. Criteria: Invitae Variant Classification Sherloc (09022015). Collection method: clinical testing. Allele origin: germline. Not counted in ClinVar's aggregate classification.
Comment: This sequence change replaces arginine, which is basic and polar, with glutamine, which is neutral and polar, at codon 1873 of the MYO7A protein (p.Arg1873Gln). The frequency data for this variant in the population databases is considered unreliable, as metrics indicate poor data quality at this position in the gnomAD database. This missense change has been observed in individual(s) with autosomal recessive nonsyndromic deafness (PMID: 23208854, 27068579; internal data). In at least one individual the data is consistent with being in trans (on the opposite chromosome) from a pathogenic variant. This variant is also known as p.Arg1835Gln. ClinVar contains an entry for this variant (Variation ID: 43292). Invitae Evidence Modeling of protein sequence and biophysical properties (such as structural, functional, and spatial information, amino acid conservation, physicochemical variation, residue mobility, and thermodynamic stability) has been performed for this missense variant. However, the output from this modeling did not meet the statistical confidence thresholds required to predict the impact of this variant on MYO7A protein function. This variant disrupts the p.Arg1873 amino acid residue in MYO7A. Other variant(s) that disrupt this residue have been determined to be pathogenic (PMID: 16679490, 28472130). This suggests that this residue is clinically significant, and that variants that disrupt this residue are likely to be disease-causing. For these reasons, this variant has been classified as Pathogenic.

Natera, Inc.
Classification: Likely pathogenic for Usher syndrome type 1B. Last evaluated: 2025-12-04. Review status: criteria provided, single submitter. Criteria: Natera Variant Classification Schema (03/2026). Collection method: clinical testing. Allele origin: germline. Not counted in ClinVar's aggregate classification.
Comment: The c.5618G>A variant in MYO7A is a missense variant predicted to cause substitution of arginine to glutamine at amino acid 1873. This variant is rare in the general population with a frequency below the threshold expected for the associated phenotype(s). This variant has been observed in one or more individuals affected with the associated recessive disease, as either homozygous or compound heterozygous with a second variant (PMID: 28000701, 23208854). A different variant at the same position has been determined to be Pathogenic or Likely Pathogenic. Computational prediction algorithms indicate this variant is likely to affect gene or protein function. Given the available evidence, this variant is classified as Likely Pathogenic.

Fulgent Genetics
Classification: Likely pathogenic for Usher syndrome type 1; Autosomal recessive nonsyndromic hearing loss 2; Autosomal dominant nonsyndromic hearing loss 11. Last evaluated: 2024-04-15. Review status: criteria provided, single submitter. Criteria: ACMG Guidelines, 2015. Collection method: clinical testing. Allele origin: germline. Not counted in ClinVar's aggregate classification.

Blueprint Genetics
Classification: Likely pathogenic for MYO7A-related disorders. Last evaluated: 2023-09-18. Review status: criteria provided, single submitter. Criteria: ACMG Guidelines, 2015. Collection method: clinical testing. Allele origin: germline. Affected: yes. Observed: 5 variant alleles. Not counted in ClinVar's aggregate classification.

Eurofins Ntd Llc (ga)
Classification: Uncertain significance. Last evaluated: 2017-02-09. Review status: criteria provided, single submitter. Criteria: EGL Classification Definitions 2015. Collection method: clinical testing. Allele origin: germline. Not counted in ClinVar's aggregate classification.

Counsyl
Classification: Likely pathogenic for Autosomal recessive nonsyndromic hearing loss 2. Last evaluated: 2018-02-15. Review status: no assertion criteria provided. Collection method: clinical testing. Allele origin: unknown. Not counted in ClinVar's aggregate classification.

Laboratory for Molecular Medicine, Mass General Brigham Personalized Medicine
Classification: Likely pathogenic for Rare genetic deafness. Last evaluated: 2011-03-25. Review status: no assertion criteria provided. Collection method: clinical testing. Allele origin: germline. Observed: 2 variant alleles. Not counted in ClinVar's aggregate classification.
Comment: The Arg1873Gln variant in MYO7A has been identified in one proband with Usher ty pe I (Cremers 2007). In addition, this residue is highly conserved across evolut ionary distant species and computational analyses (PolyPhen2, SIFT) suggest that the variant may impact the protein. Furthermore, a different variant at the sam e position, Arg1873Trp, has been reported in five probands with Usher syndrome T ype 1 and is classified as pathogenic. In summary, the Arg1873Gln variant is lik ely pathogenic.

Clinical Genetics DNA and cytogenetics Diagnostics Lab, Erasmus MC, Erasmus Medical Center
Classification: Likely pathogenic. Review status: no assertion criteria provided. Collection method: clinical testing. Allele origin: germline. Affected: yes. Study: VKGL Data-share Consensus. Not counted in ClinVar's aggregate classification.

Joint Genome Diagnostic Labs from Nijmegen and Maastricht, Radboudumc and MUMC+
Classification: Likely pathogenic. Review status: no assertion criteria provided. Collection method: clinical testing. Allele origin: germline. Affected: yes. Study: VKGL Data-share Consensus. Not counted in ClinVar's aggregate classification.

Literature cited by the submitters: PubMed 29196752 (cited by ClinGen Hearing Loss Variant Curation Expert Panel and Counsyl); PubMed 16963483 (cited by ClinGen Hearing Loss Variant Curation Expert Panel and Laboratory for Molecular Medicine, Mass General Brigham Personalized Medicine); PubMed 28000701 (cited by ClinGen Hearing Loss Variant Curation Expert Panel and Natera, Inc.); PubMed 23208854 (cited by 3 submitters); PubMed 27068579 (cited by Labcorp Genetics (formerly Invitae), Labcorp and Counsyl); PubMed 16679490 (cited by Labcorp Genetics (formerly Invitae), Labcorp); PubMed 28472130 (cited by Labcorp Genetics (formerly Invitae), Labcorp).